The following is an entry in ClinVar:

ClinVar aggregate classification (germline): Uncertain significance (1 of 4 stars; one submission).

Conditions:
Myopathy, tubular aggregate, 2 (TAM2). Identifiers: MedGen C4014557, MONDO:0014383, OMIM 615883.
Combined immunodeficiency due to ORAI1 deficiency. Also called: IMMUNODEFICIENCY 9. Identifiers: Orphanet 169090, Orphanet 317428, MedGen C2748568, MONDO:0013007, OMIM 612782.

Allele frequency attached by ClinVar (database versions not stated): TOPMed below 0.00001.

Submission:

Labcorp Genetics (formerly Invitae), Labcorp
Classification: Uncertain significance for Myopathy, tubular aggregate, 2; Combined immunodeficiency due to ORAI1 deficiency. Last evaluated: 2023-06-22. Review status: criteria provided, single submitter. Criteria: Invitae Variant Classification Sherloc (09022015). Collection method: clinical testing. Allele origin: germline.
Comment: This variant is not present in population databases (gnomAD no frequency). This sequence change replaces alanine, which is neutral and non-polar, with aspartic acid, which is acidic and polar, at codon 222 of the ORAI1 protein (p.Ala222Asp). This variant has not been reported in the literature in individuals affected with ORAI1-related conditions. In summary, the available evidence is currently insufficient to determine the role of this variant in disease. Therefore, it has been classified as a Variant of Uncertain Significance. Experimental studies and prediction algorithms are not available or were not evaluated, and the functional significance of this variant is currently unknown.

NM_032790.4(ORAI1):c.665C>A (p.Ala222Asp)

Gene: ORAI1 (ORAI calcium release-activated calcium modulator 1; plus strand). Cytogenetic location: 12q24.31.
Variant type: single nucleotide variant.
Coding change: c.665C>A on transcript NM_032790.4 (MANE Select); coding-DNA position 665, C replaced by A.
Protein change: p.Ala222Asp; replaces alanine 222 with aspartic acid.
Molecular consequence: missense variant. On other transcripts: non-coding transcript variant (1).
Genome position (GRCh38, 1-based): chr12:121,641,402, C>A. VCF-style: chr12-121641402-C-A. GRCh37 (hg19) VCF-style: chr12-122079308-C-A.
Other names: short protein forms A222D.
Identifiers: ClinVar variation 2936813 (VCV002936813.3), dbSNP rs1893057877, ClinGen allele CA386984104.
Genomic context (GRCh38, chr12:121,641,402, plus strand): 5'-TCAAGAAGCAGCCAGGCCAGCCAAGGCCCACCAGCAAGCCCCCCGCCAGTGGCGCAGCAG[C>A]CAACGTCAGCACCAGCGGCATCACCCCGGGCCAGGCAGCTGCCATCGCCTCGACCACCAT-3'
Protein context (NP_116179.2, residues 212-232): TSKPPASGAA[Ala222Asp]NVSTSGITPG